The following is an entry in ClinVar:

NM_000465.4(BARD1):c.900T>C (p.Pro300=)

Gene: BARD1 (BRCA1 associated RING domain 1; minus strand). Cytogenetic location: 2q35.
Variant type: single nucleotide variant.
Coding change: c.900T>C on transcript NM_000465.4 (MANE Select); coding-DNA position 900, T replaced by C.
Protein change: p.Pro300=; no amino-acid change (proline 300 retained).
Molecular consequence: synonymous variant. On other transcripts: non-coding transcript variant (2), intron variant (3).
Genome position (GRCh38, 1-based): chr2:214,780,974, A>G on the plus strand (T>C on the coding strand, the complement: BARD1 is on the minus strand). VCF-style: chr2-214780974-A-G. GRCh37 (hg19) VCF-style: chr2-215645698-A-G.
Other names: c.843T>C, p.Pro281= (NM_001282543.2); c.159-28419T>C (NM_001282548.2); c.215+16087T>C (NM_001282545.2); c.364+11323T>C (NM_001282549.2).
Identifiers: ClinVar variation 1765473 (VCV001765473.3), dbSNP rs2469506895, ClinGen allele CA431391714.

ClinVar aggregate classification (germline): Benign/Likely benign. Review status: criteria provided, multiple submitters, no conflicts (2 of 4 stars). 2 submissions from 2 submitters: Benign (1); Likely benign (1). Last evaluated 2024-07-23.

Conditions:
Hereditary cancer-predisposing syndrome. Also called: Neoplastic Syndromes, Hereditary; Tumor predisposition; Hereditary Cancer Syndrome; Hereditary neoplastic syndrome. Identifiers: Orphanet 140162, MedGen C0027672, MeSH D009386, MONDO:0015356.
Familial cancer of breast. Also called: hereditary breast carcinoma; BREAST CANCER, FAMILIAL; Hereditary breast cancer. Identifiers: Orphanet 227535, MedGen C0346153, MONDO:0016419, OMIM 114480. Disease mechanism: loss of function.

Submissions (2):

Myriad Genetics, Inc.
Classification: Benign for Familial cancer of breast. Last evaluated: 2024-07-23. Review status: criteria provided, single submitter. Criteria: Myriad Autosomal Dominant, Autosomal Recessive and X-Linked Classification Criteria (2023). Collection method: clinical testing. Allele origin: unknown.
Comment: This variant is considered benign. This variant is a silent/synonymous amino acid change and it is not expected to impact splicing.

Ambry Genetics
Classification: Likely benign for Hereditary cancer-predisposing syndrome. Last evaluated: 2020-08-22. Review status: criteria provided, single submitter. Criteria: Ambry Variant Classification Scheme 2023. Collection method: clinical testing. Allele origin: germline.